The following is an entry in ClinVar:

NM_000256.3(MYBPC3):c.2162C>T (p.Thr721Ile)

Gene: MYBPC3 (myosin binding protein C3; minus strand). Cytogenetic location: 11p11.2.
Variant type: single nucleotide variant.
Coding change: c.2162C>T on transcript NM_000256.3 (MANE Select); coding-DNA position 2162, C replaced by T.
Protein change: p.Thr721Ile; replaces threonine 721 with isoleucine.
Molecular consequence: missense variant.
Genome position (GRCh38, 1-based): chr11:47,338,666, G>A on the plus strand (C>T on the coding strand, the complement: MYBPC3 is on the minus strand). VCF-style: chr11-47338666-G-A. GRCh37 (hg19) VCF-style: chr11-47360217-G-A.
Other names: c.2162C>T, p.Thr721Ile (LRG_386t1); short protein forms T721I.
Identifiers: ClinVar variation 662896 (VCV000662896.14), dbSNP rs1293844338, ClinGen allele CA380320615.
Genomic context (GRCh38, chr11:47,338,666, plus strand): 5'-GCCCCCTCGACCGTGAAGATGCTGCGGTCCTTGGTGGTCTCCACGCGGACCCGGCCCTCG[G>A]TCTCACACAGCAGCTGGGGGGGTGCAGAGTTGGGGTGAGATCCAAGTCAGACCCCAGAGG-3'
Protein context (NP_000247.2, residues 711-731): WVFDKKLLCE[Thr721Ile]EGRVRVETTK

ClinVar aggregate classification (germline): Uncertain significance. Review status: criteria provided, multiple submitters, no conflicts (2 of 4 stars). 5 submissions from 5 submitters: Uncertain significance (5). Last evaluated 2025-10-01.

Conditions:
Cardiomyopathy (CMYO). Also called: Cardiomyopathies. Identifiers: Orphanet 167848, MedGen C0878544, MONDO:0004994, HP:0001638. Inheritance: Various modes of inheritance.
Hypertrophic cardiomyopathy. Also called: HYPERTROPHIC MYOCARDIOPATHY. Identifiers: Orphanet 217569, MedGen C0007194, MeSH D002312, MONDO:0005045, HP:0001639.

Allele frequency attached by ClinVar (database versions not stated): gnomAD exomes below 0.00001.
gnomAD v4.1: 2 of 1,612,358 alleles (0.00012%); highest among the groups gnomAD compares: Admixed American, 0.0017%; no homozygotes.

Submissions (5):

Labcorp Genetics (formerly Invitae), Labcorp
Classification: Uncertain significance for Hypertrophic cardiomyopathy. Last evaluated: 2025-10-01. Review status: criteria provided, single submitter. Criteria: Invitae Variant Classification Sherloc (09022015). Collection method: clinical testing. Allele origin: germline.
Comment: This sequence change replaces threonine, which is neutral and polar, with isoleucine, which is neutral and non-polar, at codon 721 of the MYBPC3 protein (p.Thr721Ile). The frequency data for this variant in the population databases is considered unreliable, as metrics indicate poor data quality at this position in the gnomAD database. This variant has not been reported in the literature in individuals affected with MYBPC3-related conditions. ClinVar contains an entry for this variant (Variation ID: 662896). An algorithm developed to predict the effect of missense changes on protein structure and function (PolyPhen-2) suggests that this variant is likely to be disruptive. In summary, the available evidence is currently insufficient to determine the role of this variant in disease. Therefore, it has been classified as a Variant of Uncertain Significance.

GeneDx
Classification: Uncertain significance. Last evaluated: 2025-07-01. Review status: criteria provided, single submitter. Criteria: GeneDx Variant Classification Process June 2021. Collection method: clinical testing. Allele origin: germline.
Comment: Not observed at significant frequency in large population cohorts (gnomAD); In silico analysis supports that this missense variant has a deleterious effect on protein structure/function; Has not been previously published as pathogenic or benign to our knowledge

Color Diagnostics, LLC DBA Color Health
Classification: Uncertain significance for Cardiomyopathy. Last evaluated: 2024-08-19. Review status: criteria provided, single submitter. Criteria: ACMG Guidelines, 2015. Collection method: clinical testing. Allele origin: germline.
Comment: This missense variant replaces threonine with isoleucine at codon 721 of the MYBPC3 protein. Computational prediction tools indicate that this variant has a neutral impact on protein structure and function. To our knowledge, functional studies have not been reported for this variant. This variant has not been reported in individuals affected with MYBPC3-related disorders in the literature. This variant has been identified in 1/245354 chromosomes in the general population by the Genome Aggregation Database (gnomAD). The available evidence is insufficient to determine the role of this variant in disease conclusively. Therefore, this variant is classified as a Variant of Uncertain Significance.

All of Us Research Program, National Institutes of Health
Classification: Uncertain significance for Hypertrophic cardiomyopathy. Last evaluated: 2023-06-08. Review status: criteria provided, single submitter. Criteria: ACMG Guidelines, 2015. Collection method: clinical testing. Allele origin: germline. Inheritance: Autosomal dominant inheritance. Observed: 1 variant allele, 1 heterozygote.
Comment: This missense variant replaces threonine with isoleucine at codon 721 of the MYBPC3 protein. Computational prediction suggests that this variant may not impact protein structure and function (internally defined REVEL score threshold <= 0.5, PMID: 27666373). To our knowledge, functional studies have not been reported for this variant. This variant has not been reported in individuals affected with MYBPC3-related disorders in the literature. This variant has been identified in 1/245354 chromosomes in the general population by the Genome Aggregation Database (gnomAD). The available evidence is insufficient to determine the role of this variant in disease conclusively. Therefore, this variant is classified as a Variant of Uncertain Significance.

This study involves interpretation of variants in research participants for the purpose of population health screening. Participant phenotype was not available at the time of variant classification. Additional details can be found in publication PMID: 35346344, PMCID: PMC8962531

Petrovsky National Research Centre of Surgery, The Federal Agency for Scientific Organizations
Classification: Uncertain significance. Last evaluated: 2020-11-18. Review status: criteria provided, single submitter. Criteria: ACMG Guidelines, 2015. Collection method: clinical testing. Allele origin: unknown. Inheritance: Autosomal dominant inheritance. Affected: yes. Observed: 1 heterozygote.
Comment: The p.T721I genetic variant is present in gnomAD database with frequency of 4.076e-6, thus being rare. Online in silico tools predict the p.T721I genetic variant to be probably pathogenic. However, in the absence of functional studies and/or segregation analysis we could only classify the p.T721I genetic variant as a variant of uncertain clinical significance.